The following is an entry in ClinVar:

NM_000130.5(F5):c.1062T>G (p.Ile354Met)

Gene: F5 (coagulation factor V; minus strand). Cytogenetic location: 1q24.2.
Variant type: single nucleotide variant.
Coding change: c.1062T>G on transcript NM_000130.5 (MANE Select); coding-DNA position 1062, T replaced by G.
Protein change: p.Ile354Met; replaces isoleucine 354 with methionine.
Molecular consequence: missense variant.
Genome position (GRCh38, 1-based): chr1:169,555,238, A>C on the plus strand (T>G on the coding strand, the complement: F5 is on the minus strand). VCF-style: chr1-169555238-A-C. GRCh37 (hg19) VCF-style: chr1-169524476-A-C.
Other names: short protein forms I354M.
Identifiers: ClinVar variation 2587169 (VCV002587169.2), dbSNP rs1288065891, ClinGen allele CA343131321.

ClinVar aggregate classification (germline): Uncertain significance (1 of 4 stars; one submission).

Conditions:
Inborn genetic diseases. Identifiers: MedGen C0950123, MeSH D030342.

Submission:

Ambry Genetics
Classification: Uncertain significance for Inborn genetic diseases. Last evaluated: 2023-07-03. Review status: criteria provided, single submitter. Criteria: Ambry Variant Classification Scheme 2023. Collection method: clinical testing. Allele origin: germline.
Comment: The p.I354M variant (also known as c.1062T>G), located in coding exon 7 of the F5 gene, results from a T to G substitution at nucleotide position 1062. The isoleucine at codon 354 is replaced by methionine, an amino acid with highly similar properties. This amino acid position is conserved. In addition, the in silico prediction for this alteration is inconclusive. Since supporting evidence is limited at this time, the clinical significance of this alteration remains unclear.